The following is an entry in ClinVar:

ClinVar aggregate classification (germline): Benign. Review status: criteria provided, single submitter (1 of 4 stars). 2 submissions from 1 submitter: Benign (2). Last evaluated 2018-01-13.

Conditions:
Hypophosphatemic rickets, autosomal recessive, 2 (ARHR2). Identifiers: Orphanet 289176, MedGen C2750078, MONDO:0013219, OMIM 613312.
Arterial calcification, generalized, of infancy, 1 (GACI1). Also called: Idiopathic Infantile Arterial Calcification. Identifiers: Orphanet 51608, MedGen C4551985, MONDO:0008817, OMIM 208000.

Allele frequency attached by ClinVar (database versions not stated): gnomAD 0.01180 and 0.01267; TOPMed 0.01360; 1000 Genomes Project 30x 0.01437; 1000 Genomes Project 0.01438.

Submissions (2):

Illumina Laboratory Services, Illumina
Classification: Benign for Hypophosphatemic rickets, autosomal recessive, 2. Last evaluated: 2018-01-13. Review status: criteria provided, single submitter. Criteria: ICSL Variant Classification Criteria 13 December 2019. Collection method: clinical testing. Allele origin: germline.
Comment: This variant was observed in the ICSL laboratory as part of a predisposition screen in an ostensibly healthy population. It had not been previously curated by ICSL or reported in the Human Gene Mutation Database (HGMD: prior to June 1st, 2018), and was therefore a candidate for classification through an automated scoring system. Utilizing variant allele frequency, disease prevalence and penetrance estimates, and inheritance mode, an automated score was calculated to assess if this variant is too frequent to cause the disease. Based on the score and internal cut-off values, a variant classified as benign is not then subjected to further curation. The score for this variant resulted in a classification of benign for this disease.

Illumina Laboratory Services, Illumina
Classification: Benign for Arterial calcification, generalized, of infancy, 1. Last evaluated: 2018-01-13. Review status: criteria provided, single submitter. Criteria: ICSL Variant Classification Criteria 13 December 2019. Collection method: clinical testing. Allele origin: germline.
Comment: the same text as in the submission from Illumina Laboratory Services, Illumina above.

NM_006208.3(ENPP1):c.*2301A>G

Gene: ENPP1 (ectonucleotide pyrophosphatase/phosphodiesterase 1; plus strand). Cytogenetic location: 6q23.2.
Variant type: single nucleotide variant.
Coding change: c.*2301A>G on transcript NM_006208.3 (MANE Select); 2301 bases downstream of the stop codon, A replaced by G.
Molecular consequence: 3 prime UTR variant.
Genome position (GRCh38, 1-based): chr6:131,892,812, A>G. VCF-style: chr6-131892812-A-G. GRCh37 (hg19) VCF-style: chr6-132213952-A-G.
Identifiers: ClinVar variation 355404 (VCV000355404.5), dbSNP rs115728089, ClinGen allele CA10622960.